The following is an entry in ClinVar:

NC_000022.11:g.40345934G>A

Gene: ADSL (adenylosuccinate lyase; plus strand). Cytogenetic location: 22q13.1.
Variant type: single nucleotide variant.
Genome position: GRCh38 VCF-style: chr22-40345934-G-A. GRCh37 (hg19) VCF-style: chr22-40741938-G-A.
Identifiers: ClinVar variation 1063790 (VCV001063790.6), dbSNP rs1428135725, ClinGen allele CA753179750.

ClinVar aggregate classification (germline): Uncertain significance (1 of 4 stars; one submission).

Conditions:
Adenylosuccinate lyase deficiency (ADSLD). Also called: ADSL DEFICIENCY. Identifiers: Orphanet 46, MedGen C0268126, MONDO:0007068, OMIM 103050.

Allele frequency attached by ClinVar (database versions not stated): TOPMed below 0.00001; gnomAD 0.00001.

Submission:

Labcorp Genetics (formerly Invitae), Labcorp
Classification: Uncertain significance for Adenylosuccinate lyase deficiency. Last evaluated: 2024-10-30. Review status: criteria provided, single submitter. Criteria: Invitae Variant Classification Sherloc (09022015). Collection method: clinical testing. Allele origin: germline.
Comment: This variant occurs in a non-coding region of the ADSL gene. It does not change the encoded amino acid sequence of the ADSL protein. This variant is not present in population databases (gnomAD no frequency). This variant has not been reported in the literature in individuals affected with ADSL-related conditions. Experimental studies and prediction algorithms are not available or were not evaluated, and the functional significance of this variant is currently unknown. In summary, the available evidence is currently insufficient to determine the role of this variant in disease. Therefore, it has been classified as a Variant of Uncertain Significance.